The following is an entry in ClinVar:

ClinVar aggregate classification (germline): Conflicting classifications of pathogenicity. Review status: criteria provided, conflicting classifications (1 of 4 stars). 6 submissions from 6 submitters: Uncertain significance (3); Likely benign (3). Last evaluated 2026-08-21.

Conditions:
Autosomal dominant slowed nerve conduction velocity. Identifiers: Orphanet 140481, MedGen C1842357, MONDO:0011998, OMIM 608236.
ARHGEF10-related disorder. Also called: ARHGEF10-related condition.

Allele frequency attached by ClinVar (database versions not stated): TOPMed 0.00033; gnomAD 0.00036 and 0.00042; ESP Exome Variant Server 0.00046; gnomAD exomes 0.00055; ExAC 0.00058; 1000 Genomes Project 30x 0.00078; 1000 Genomes Project 0.00100.

Submissions (6):

PreventionGenetics, part of Exact Sciences
Classification: Likely benign for ARHGEF10-related condition. Last evaluated: 2026-08-21. Review status: criteria provided, single submitter. Criteria: ACMG Guidelines, 2015. Collection method: clinical testing. Allele origin: germline.
Comment: This variant is classified as likely benign based on ACMG/AMP sequence variant interpretation guidelines (Richards et al. 2015 PMID: 25741868, with internal and published modifications).

Women's Health and Genetics/Laboratory Corporation of America, LabCorp
Classification: Uncertain significance. Last evaluated: 2026-04-16. Review status: criteria provided, single submitter. Criteria: LabCorp Variant Classification Summary - May 2015. Collection method: clinical testing. Allele origin: germline.
Comment: Variant summary: ARHGEF10 c.2909C>T (p.Thr970Met) results in a non-conservative amino acid change in the encoded protein sequence. Algorithms developed to predict the effect of missense changes on protein structure and function are either unavailable or do not agree on the potential impact of this missense change. The variant allele was found at a frequency of 0.00055 in 251192 control chromosomes. This frequency is not significantly higher than estimated for disease-causing variants in ARHGEF10, allowing no conclusion about variant significance. To our knowledge, no occurrence of c.2909C>T in individuals affected with ARHGEF10-related conditions and no experimental evidence demonstrating its impact on protein function have been reported. ClinVar contains an entry for this variant (Variation ID: 810874). Based on the evidence outlined above, the variant was classified as uncertain significance.

CeGaT Center for Human Genetics Tuebingen
Classification: Likely benign. Last evaluated: 2026-01-01. Review status: criteria provided, single submitter. Criteria: CeGaT Center For Human Genetics Tuebingen Variant Classification Criteria Version 2. Collection method: clinical testing. Allele origin: germline. Affected: yes. Observed: 1 variant allele.
Comment: ARHGEF10: BS1

Labcorp Genetics (formerly Invitae), Labcorp
Classification: Uncertain significance. Last evaluated: 2025-12-25. Review status: criteria provided, single submitter. Criteria: Invitae Variant Classification Sherloc (09022015). Collection method: clinical testing. Allele origin: germline.
Comment: This sequence change replaces threonine, which is neutral and polar, with methionine, which is neutral and non-polar, at codon 970 of the ARHGEF10 protein (p.Thr970Met). This variant is present in population databases (rs35925274, gnomAD 0.08%), and has an allele count higher than expected for a pathogenic variant. This variant has not been reported in the literature in individuals affected with ARHGEF10-related conditions. ClinVar contains an entry for this variant (Variation ID: 810874). Invitae Evidence Modeling of protein sequence and biophysical properties (such as structural, functional, and spatial information, amino acid conservation, physicochemical variation, residue mobility, and thermodynamic stability) indicates that this missense variant is not expected to disrupt ARHGEF10 protein function with a negative predictive value of 80%. In summary, the available evidence is currently insufficient to determine the role of this variant in disease. Therefore, it has been classified as a Variant of Uncertain Significance.

Ambry Genetics
Classification: Uncertain significance. Last evaluated: 2021-08-13. Review status: criteria provided, single submitter. Criteria: Ambry Variant Classification Scheme 2023. Collection method: clinical testing. Allele origin: germline.

ARUP Laboratories, Molecular Genetics and Genomics, ARUP Laboratories
Classification: Likely benign for Autosomal dominant slowed nerve conduction velocity. Last evaluated: 2018-08-12. Review status: criteria provided, single submitter. Criteria: ARUP Molecular Germline Variant Investigation Process. Collection method: clinical testing. Allele origin: germline.

NM_014629.4(ARHGEF10):c.2909C>T (p.Thr970Met)

Gene: ARHGEF10 (Rho guanine nucleotide exchange factor 10; plus strand). Cytogenetic location: 8p23.3.
Variant type: single nucleotide variant.
Coding change: c.2909C>T on transcript NM_014629.4 (MANE Select); coding-DNA position 2909, C replaced by T.
Protein change: p.Thr970Met; replaces threonine 970 with methionine.
Molecular consequence: missense variant.
Genome position (GRCh38, 1-based): chr8:1,928,638, C>T. VCF-style: chr8-1928638-C-T. GRCh37 (hg19) VCF-style: chr8-1876804-C-T.
Other names: c.2909C>T (NM_014629.3); c.2795C>T, p.Thr932Met (NM_001308152.2); c.2909C>T, p.Thr970Met (NM_001308153.3); short protein forms T932M, T970M, T994M.
Identifiers: ClinVar variation 810874 (VCV000810874.22), dbSNP rs35925274, ClinGen allele CA4601111.